The following is an entry in ClinVar:

ClinVar aggregate classification (germline): Benign/Likely benign. Review status: criteria provided, multiple submitters, no conflicts (2 of 4 stars). 4 submissions from 4 submitters: Benign (1); Likely benign (3). Last evaluated 2025-01-03.

Conditions:
Hereditary nonpolyposis colorectal neoplasms. Identifiers: MedGen C0009405, MeSH D003123.
Hereditary cancer-predisposing syndrome. Also called: Tumor predisposition; Hereditary Cancer Syndrome; Neoplastic Syndromes, Hereditary; Hereditary neoplastic syndrome. Identifiers: Orphanet 140162, MedGen C0027672, MeSH D009386, MONDO:0015356.
Lynch syndrome. Identifiers: Orphanet 144, MedGen C4552100, MONDO:0005835. Disease mechanism: loss of function.
Lynch syndrome 5 (LYNCH5). Also called: Colorectal cancer, hereditary nonpolyposis, type 5; Hereditary non-polyposis colorectal cancer, type 5. Identifiers: Orphanet 144, MedGen C1833477, MONDO:0013710, OMIM 614350. Disease mechanism: loss of function.

Allele frequency attached by ClinVar (database versions not stated): gnomAD exomes below 0.00001.
gnomAD v4.1: 2 of 1,614,104 alleles (0.00012%); highest among the groups gnomAD compares: Non-Finnish European, 0.00017%; no homozygotes.

Submissions (4):

Myriad Genetics, Inc.
Classification: Benign for Lynch syndrome 5. Last evaluated: 2025-01-03. Review status: criteria provided, single submitter. Criteria: Myriad Autosomal Dominant, Autosomal Recessive and X-Linked Classification Criteria (2023). Collection method: clinical testing. Allele origin: unknown.
Comment: This variant is considered benign. This variant is a silent/synonymous amino acid change and it is not expected to impact splicing.

Labcorp Genetics (formerly Invitae), Labcorp
Classification: Likely benign for Hereditary nonpolyposis colorectal neoplasms. Last evaluated: 2024-12-18. Review status: criteria provided, single submitter. Criteria: Invitae Variant Classification Sherloc (09022015). Collection method: clinical testing. Allele origin: germline.

All of Us Research Program, National Institutes of Health
Classification: Likely benign for Lynch syndrome. Last evaluated: 2024-03-14. Review status: criteria provided, single submitter. Criteria: ACMG Guidelines, 2015. Collection method: clinical testing. Allele origin: germline. Inheritance: Autosomal dominant inheritance. Observed: 1 variant allele, 1 heterozygote.
Comment: This study involves interpretation of variants in research participants for the purpose of population health screening. Participant phenotype was not available at the time of variant classification. Additional details can be found in publication PMID: 35346344, PMCID: PMC8962531

Ambry Genetics
Classification: Likely benign for Hereditary cancer-predisposing syndrome. Last evaluated: 2019-09-28. Review status: criteria provided, single submitter. Criteria: Ambry Variant Classification Scheme 2023. Collection method: clinical testing. Allele origin: germline.

NM_000179.3(MSH6):c.2814C>T (p.Asp938=)

Gene: MSH6 (mutS homolog 6; plus strand). Cytogenetic location: 2p16.3.
Variant type: single nucleotide variant.
Coding change: c.2814C>T on transcript NM_000179.3 (MANE Select); coding-DNA position 2814, C replaced by T.
Protein change: p.Asp938=; no amino-acid change (aspartic acid 938 retained).
Molecular consequence: synonymous variant.
Genome position (GRCh38, 1-based): chr2:47,800,797, C>T. VCF-style: chr2-47800797-C-T. GRCh37 (hg19) VCF-style: chr2-48027936-C-T.
Other names: c.2424C>T, p.Asp808= (NM_001281492.2); c.1908C>T, p.Asp636= (NM_001281493.2, NM_001281494.2).
Identifiers: ClinVar variation 821842 (VCV000821842.14), dbSNP rs1572728798, ClinGen allele CA426121762.